The following is an entry in ClinVar:

NM_001734.5(C1S):c.664G>T (p.Asp222Tyr)

Gene: C1S (complement C1s; plus strand). Cytogenetic location: 12p13.31.
Variant type: single nucleotide variant.
Coding change: c.664G>T on transcript NM_001734.5 (MANE Select); coding-DNA position 664, G replaced by T.
Protein change: p.Asp222Tyr; replaces aspartic acid 222 with tyrosine.
Molecular consequence: missense variant.
Genome position (GRCh38, 1-based): chr12:7,065,246, G>T. VCF-style: chr12-7065246-G-T. GRCh37 (hg19) VCF-style: chr12-7172550-G-T.
Other names: c.163G>T, p.Asp55Tyr (NM_001346850.2); c.664G>T, p.Asp222Tyr (NM_201442.4); short protein forms D222Y, D55Y.
Identifiers: ClinVar variation 2127067 (VCV002127067.4), dbSNP rs2539598699, ClinGen allele CA383694672.

ClinVar aggregate classification (germline): Uncertain significance (1 of 4 stars; one submission).

Submission:

Labcorp Genetics (formerly Invitae), Labcorp
Classification: Uncertain significance. Last evaluated: 2022-04-16. Review status: criteria provided, single submitter. Criteria: Invitae Variant Classification Sherloc (09022015). Collection method: clinical testing. Allele origin: germline.
Comment: In summary, the available evidence is currently insufficient to determine the role of this variant in disease. Therefore, it has been classified as a Variant of Uncertain Significance. Algorithms developed to predict the effect of sequence changes on RNA splicing suggest that this variant may disrupt the consensus splice site. Algorithms developed to predict the effect of missense changes on protein structure and function (SIFT, PolyPhen-2, Align-GVGD) all suggest that this variant is likely to be disruptive. This variant has not been reported in the literature in individuals affected with C1S-related conditions. This variant is not present in population databases (gnomAD no frequency). This sequence change replaces aspartic acid, which is acidic and polar, with tyrosine, which is neutral and polar, at codon 222 of the C1S protein (p.Asp222Tyr).